The following is an entry in ClinVar:

ClinVar aggregate classification (germline): Pathogenic. Review status: criteria provided, multiple submitters, no conflicts (2 of 4 stars). 3 submissions from 3 submitters: Pathogenic (3). Last evaluated 2025-12-01.

Conditions:
VPS13A-related neurodegenerative disease. Also called: ACANTHOCYTOSIS WITH NEUROLOGIC DISORDER; LEVINE-CRITCHLEY SYNDROME; Choreoacanthocytosis; Chorea-acanthocytosis; VPS13A Disease; Choreaacanthocytosis. Identifiers: Orphanet 2388, MedGen C0393576, MONDO:0008695, OMIM 200150.

Allele frequency attached by ClinVar (database versions not stated): gnomAD exomes 0.00001; TOPMed 0.00001.
gnomAD v4.1: 9 of 1,613,092 alleles (0.00056%); highest among the groups gnomAD compares: East Asian, 0.0022%; no homozygotes.

Submissions (3):

Natera, Inc.
Classification: Pathogenic for Choreaacanthocytosis. Last evaluated: 2025-12-01. Review status: criteria provided, single submitter. Criteria: Natera Variant Classification Schema (03/2026). Collection method: clinical testing. Allele origin: germline.
Comment: The c.5881C>T variant in VPS13A is a nonsense variant predicted to introduce a stop codon at amino acid 1961. This variant is expected to result in nonsense mediated decay, truncation, or a dysfunctional protein product. This variant is rare in the general population with a frequency below the threshold expected for the associated phenotype(s). This variant has been observed in one or more individuals affected with the associated recessive disease, as either homozygous or compound heterozygous with a second variant (PMID: 38519717, 23746940). Additionally, this variant has been observed to segregate in affected family members (PMID: 23746940). Given the available evidence, this variant is classified as Pathogenic.

Dasa
Classification: Pathogenic. Last evaluated: 2025-10-31. Review status: criteria provided, single submitter. Criteria: DASA Assertion Criteria. Collection method: clinical testing. Allele origin: germline.
Comment: NM_033305.3(VPS13A):c.5881C>T (p.Arg1961*) introduces a premature termination codon predicted to result in loss of normal protein function. Loss-of-function is an established mechanism of disease for this gene. This variant has been observed in affected individuals with related phenotype in a genotype context consistent with recessive disease (PMID: 31969655; PMID: 23746940). This variant has been recurrently observed in individuals with related phenotype (PMID: 31969655; PMID: 23746940). The variant is present at low frequency in population datasets. Based on the available data, this variant is classified as pathogenic.

Labcorp Genetics (formerly Invitae), Labcorp
Classification: Pathogenic. Last evaluated: 2023-09-28. Review status: criteria provided, single submitter. Criteria: Invitae Variant Classification Sherloc (09022015). Collection method: clinical testing. Allele origin: germline.
Comment: For these reasons, this variant has been classified as Pathogenic. Algorithms developed to predict the effect of sequence changes on RNA splicing suggest that this variant may disrupt the consensus splice site. ClinVar contains an entry for this variant (Variation ID: 1458994). This premature translational stop signal has been observed in individual(s) with clinical features of choreoacanthocytosis (PMID: 23746940, 31192303, 31969655). This variant is present in population databases (no rsID available, gnomAD 0.006%). This sequence change creates a premature translational stop signal (p.Arg1961*) in the VPS13A gene. It is expected to result in an absent or disrupted protein product. Loss-of-function variants in VPS13A are known to be pathogenic (PMID: 12404112, 21598378).

Literature cited by the submitters: PubMed 38519717 (cited by Natera, Inc.); PubMed 23746940 (cited by 3 submitters); PubMed 31969655 (cited by Dasa and Labcorp Genetics (formerly Invitae), Labcorp); PubMed 31192303 (cited by Labcorp Genetics (formerly Invitae), Labcorp); PubMed 12404112 (cited by Labcorp Genetics (formerly Invitae), Labcorp); PubMed 21598378 (cited by Labcorp Genetics (formerly Invitae), Labcorp).

NM_033305.3(VPS13A):c.5881C>T (p.Arg1961Ter)

Gene: VPS13A (vacuolar protein sorting 13 homolog A; plus strand). Cytogenetic location: 9q21.2.
Variant type: single nucleotide variant.
Coding change: c.5881C>T on transcript NM_033305.3 (MANE Select); coding-DNA position 5881, C replaced by T.
Protein change: p.Arg1961Ter; replaces arginine 1961 with a stop codon.
Molecular consequence: nonsense.
Genome position (GRCh38, 1-based): chr9:77,323,117, C>T. VCF-style: chr9-77323117-C-T. GRCh37 (hg19) VCF-style: chr9-79938033-C-T.
Other names: c.5764C>T, p.Arg1922Ter (NM_001018037.2); c.5881C>T, p.Arg1961Ter (NM_001018038.3, NM_015186.4); c.5881C>T (NM_033305.2); short protein forms R1922*, R1961*.
Identifiers: ClinVar variation 1458994 (VCV001458994.9), dbSNP rs1286714220, ClinGen allele CA373865204.
Genomic context (GRCh38, chr9:77,323,117, plus strand): 5'-CTTAATTTAGCACCTGTTAACCATTCTACTGCTGATAAGATTCCTTTAACAAAAGTGGGA[C>T]GACGTCTGTACACTGTAAGACACAGAGAGTCTGGCGTTGAAAGATCTATTGTTTGTCAAA-3'